The following is an entry in ClinVar:

NM_005530.3(IDH3A):c.81dup (p.Thr28fs)

Gene: IDH3A (isocitrate dehydrogenase (NAD(+)) 3 catalytic subunit alpha; plus strand). Cytogenetic location: 15q25.1.
Variant type: Duplication.
Coding change: c.81dup on transcript NM_005530.3 (MANE Select); coding-DNA position 81, one base duplicated (T; older notation c.81dupT).
Protein change: p.Thr28fs; shifts the reading frame from threonine 28.
Molecular consequence: frameshift variant.
Genome position (GRCh38, 1-based): chr15:78,155,266, T duplicated; the last of 4 consecutive T bases (chr15:78,155,263-78,155,266); duplicating any one gives the same sequence. VCF-style (leftmost placement, unchanged base first): chr15-78155262-G-GT. GRCh37 (hg19) VCF-style: chr15-78447604-G-GT.
Other names: short protein forms T28fs.
Identifiers: ClinVar variation 2878708 (VCV002878708.3), dbSNP rs1391416524, ClinGen allele CA619227568.

ClinVar aggregate classification (germline): Pathogenic (1 of 4 stars; one submission).

Submission:

Labcorp Genetics (formerly Invitae), Labcorp
Classification: Pathogenic. Last evaluated: 2025-09-25. Review status: criteria provided, single submitter. Criteria: Invitae Variant Classification Sherloc (09022015). Collection method: clinical testing. Allele origin: germline.
Comment: This sequence change creates a premature translational stop signal (p.Thr28Tyrfs*28) in the IDH3A gene. It is expected to result in an absent or disrupted protein product. Loss-of-function variants in IDH3A are known to be pathogenic (PMID: 28412069). This variant is present in population databases (no rsID available, gnomAD 0.0009%). This variant has not been reported in the literature in individuals affected with IDH3A-related conditions. ClinVar contains an entry for this variant (Variation ID: 2878708). For these reasons, this variant has been classified as Pathogenic.

Literature cited by the submitters: PubMed 28412069.